The following is an entry in ClinVar:

NM_020774.4(MIB1):c.1678-10A>T

Gene: MIB1 (MIB E3 ubiquitin protein ligase 1; plus strand). Cytogenetic location: 18q11.2.
Variant type: single nucleotide variant.
Coding change: c.1678-10A>T on transcript NM_020774.4 (MANE Select); 10 bases into the intron before coding-DNA position 1678, A replaced by T.
Molecular consequence: intron variant.
Genome position (GRCh38, 1-based): chr18:21,819,485, A>T. VCF-style: chr18-21819485-A-T. GRCh37 (hg19) VCF-style: chr18-19399446-A-T.
Identifiers: ClinVar variation 509091 (VCV000509091.1), dbSNP rs1555694067, ClinGen allele CA658799008.
Genomic context (GRCh38, chr18:21,819,485, plus strand): 5'-TTGGTGTAAGTATTACTATTAGATGGGATAATTAATTGAAGAACTAATGAAAATTTCTTT[A>T]AACTTAAAGGATTCTGAAGGTGATACCCCTCTTCATGATGCAATAAGTAAGAAACGTGAT-3'

ClinVar aggregate classification (germline): Likely benign (1 of 4 stars; one submission).

Submission:

GeneDx
Classification: Likely benign. Last evaluated: 2017-04-20. Review status: criteria provided, single submitter. Criteria: GeneDx Variant Classification (06012015). Collection method: clinical testing. Allele origin: germline. Affected: yes.
Comment: This variant is considered likely benign or benign based on one or more of the following criteria: it is a conservative change, it occurs at a poorly conserved position in the protein, it is predicted to be benign by multiple in silico algorithms, and/or has population frequency not consistent with disease.